The following is an entry in ClinVar:

NM_032119.4(ADGRV1):c.18801_18802del (p.Gly6268fs)

Gene: ADGRV1 (adhesion G protein-coupled receptor V1; plus strand). Cytogenetic location: 5q14.3.
Variant type: Deletion.
Coding change: c.18801_18802del on transcript NM_032119.4 (MANE Select); coding-DNA positions 18801 to 18802, 2 bases deleted (TG; older notation c.18801_18802delTG).
Protein change: p.Gly6268fs; shifts the reading frame from glycine 6268.
Molecular consequence: frameshift variant. On other transcripts: non-coding transcript variant (1).
Genome position (GRCh38, 1-based): chr5:91,153,397-91,153,398, TG deleted. VCF-style (leftmost placement, unchanged base first): chr5-91153396-CTG-C. GRCh37 (hg19) VCF-style: chr5-90449213-CTG-C.
Other names: short protein forms G6268fs.
Identifiers: ClinVar variation 2745709 (VCV002745709.3), dbSNP rs2533414672, ClinGen allele CA2697546262.

ClinVar aggregate classification (germline): Uncertain significance (1 of 4 stars; one submission).

Submission:

Labcorp Genetics (formerly Invitae), Labcorp
Classification: Uncertain significance. Last evaluated: 2023-09-04. Review status: criteria provided, single submitter. Criteria: Invitae Variant Classification Sherloc (09022015). Collection method: clinical testing. Allele origin: germline.
Comment: In summary, the available evidence is currently insufficient to determine the role of this variant in disease. Therefore, it has been classified as a Variant of Uncertain Significance. This sequence change creates a premature translational stop signal (p.Gly6268Cysfs*7) in the ADGRV1 gene. While this is not anticipated to result in nonsense mediated decay, it is expected to disrupt the last 39 amino acid(s) of the ADGRV1 protein. This variant is not present in population databases (gnomAD no frequency). This variant has not been reported in the literature in individuals affected with ADGRV1-related conditions. Algorithms developed to predict the effect of sequence changes on RNA splicing suggest that this variant may disrupt the consensus splice site. This variant disrupts a region of the ADGRV1 protein in which other variant(s) (p.Gln6292Arg) have been observed in individuals with ADGRV1-related conditions (Invitae). This suggests that this is a clinically significant region of the protein, and that variants that disrupt it are likely to be disease-causing.